The following is an entry in ClinVar:

NM_000152.5(GAA):c.1884G>C (p.Val628=)

Gene: GAA (alpha glucosidase; plus strand). Cytogenetic location: 17q25.3.
Variant type: single nucleotide variant.
Coding change: c.1884G>C on transcript NM_000152.5 (MANE Select); coding-DNA position 1884, G replaced by C.
Protein change: p.Val628=; no amino-acid change (valine 628 retained).
Molecular consequence: synonymous variant.
Genome position (GRCh38, 1-based): chr17:80,112,707, G>C. VCF-style: chr17-80112707-G-C. GRCh37 (hg19) VCF-style: chr17-78086506-G-C.
Other names: c.1884G>C (LRG_673t1); c.1884G>C, p.Val628= (NM_001079803.3, NM_001079804.3).
Identifiers: ClinVar variation 456387 (VCV000456387.20), dbSNP rs780130036, ClinGen allele CA8815508.

ClinVar aggregate classification (germline): Conflicting classifications of pathogenicity. Review status: criteria provided, conflicting classifications (1 of 4 stars). 4 submissions from 4 submitters: Uncertain significance (1); Likely benign (3). Last evaluated 2025-08-31.

Conditions:
Glycogen storage disease, type II (IOPD). Also called: Glucosidase acid-1,4-alpha deficiency; Pompe Disease; POMPE DISEASE, INFANTILE-ONSET; GLYCOGEN STORAGE DISEASE II, INFANTILE-ONSET; ACID ALPHA-GLUCOSIDASE DEFICIENCY, INFANTILE-ONSET; GAA DEFICIENCY, INFANTILE-ONSET. Identifiers: Orphanet 365, MedGen C0017921, MONDO:0009290, OMIM 232300.

Allele frequency attached by ClinVar (database versions not stated): gnomAD 0.00001; gnomAD exomes 0.00001; TOPMed 0.00002; ExAC 0.00005.
gnomAD v4.1: 18 of 1,606,782 alleles (0.0011%); highest among the groups gnomAD compares: Admixed American, 0.029%; no homozygotes.

Submissions (4):

Labcorp Genetics (formerly Invitae), Labcorp
Classification: Likely benign for Glycogen storage disease, type II. Last evaluated: 2025-08-31. Review status: criteria provided, single submitter. Criteria: Invitae Variant Classification Sherloc (09022015). Collection method: clinical testing. Allele origin: germline.

Genome-Nilou Lab
Classification: Likely benign for Glycogen storage disease, type II. Last evaluated: 2021-07-22. Review status: criteria provided, single submitter. Criteria: ACMG Guidelines, 2015. Collection method: clinical testing. Allele origin: germline. Affected: no.

Broad Center for Mendelian Genomics, Broad Institute of MIT and Harvard
Classification: Likely benign for Glycogen storage disease, type II. Last evaluated: 2020-01-22. Review status: criteria provided, single submitter. Criteria: ACMG Guidelines, 2015. Collection method: curation. Allele origin: germline. Inheritance: Autosomal recessive inheritance.
Comment: The c.1884G>C (p.Val628=) variant in GAA has not been previously reported in individuals with Glycogen Storage Disease II but has been reported as a VUS by EGL Genetic Diagnostics and a likely benign variant by Invitae in ClinVar (Variation ID: 456387). This variant has been identified in 0.033% (11/32926) of Latino chromosomes by the Genome Aggregation Database (gnomAD; dbSNP rs780130036). Although this variant has been seen in the general population, its frequency is low enough to be consistent with a recessive carrier frequency. Computational prediction tools and conservation analyses suggest that this variant may not impact the protein, though this information is not predictive enough to rule out pathogenicity. However, novel synonymous variants supported by computational evidence without raised suspicion for an impact are likely benign (Richards 2015). In summary, although additional studies are required to fully establish its clinical significance, this variant is likely benign. ACMG/AMP Criteria applied: PM2, BP4, BP7 (Richards 2015).

Eurofins Ntd Llc (ga)
Classification: Uncertain significance. Last evaluated: 2016-10-07. Review status: criteria provided, single submitter. Criteria: EGL Classification Definitions 2015. Collection method: clinical testing. Allele origin: germline. Observed: 1 variant allele, 1 heterozygote.